The following is an entry in ClinVar:

NM_001267550.2(TTN):c.22817-15T>G

Gene: TTN (titin; minus strand). Cytogenetic location: 2q31.2.
Variant type: single nucleotide variant.
Coding change: c.22817-15T>G on transcript NM_001267550.2 (MANE Select); 15 bases into the intron before coding-DNA position 22817, T replaced by G.
Molecular consequence: intron variant.
Genome position (GRCh38, 1-based): chr2:178,721,217, A>C on the plus strand (T>G on the coding strand, the complement: TTN is on the minus strand). VCF-style: chr2-178721217-A-C. GRCh37 (hg19) VCF-style: chr2-179585944-A-C.
Other names: c.13282+16865T>G (NM_003319.4); c.13858+16865T>G (NM_133437.4); c.13657+16865T>G (NM_133432.3); c.19085-15T>G (NM_133378.4); c.21866-15T>G (NM_001256850.1).
Identifiers: ClinVar variation 179371 (VCV000179371.16), dbSNP rs727504821, ClinGen allele CA184289.

ClinVar aggregate classification (germline): Conflicting classifications of pathogenicity. Review status: criteria provided, conflicting classifications (1 of 4 stars). 2 submissions from 2 submitters: Uncertain significance (1); Likely benign (1). Last evaluated 2025-12-08.

Conditions:
Dilated cardiomyopathy 1G (CMD1G). Identifiers: Orphanet 154, MedGen C1858763, MONDO:0011400, OMIM 604145.
Autosomal recessive limb-girdle muscular dystrophy type 2J (LGMDR10). Also called: Limb-girdle muscular dystrophy, type 2J; MUSCULAR DYSTROPHY, LIMB-GIRDLE, AUTOSOMAL RECESSIVE 10. Identifiers: Orphanet 140922, MedGen C1837342, MONDO:0012127, OMIM 608807.

Allele frequency attached by ClinVar (database versions not stated): gnomAD exomes below 0.00001; gnomAD 0.00001; TOPMed 0.00001; ExAC 0.00003.
gnomAD v4.1: 7 of 1,566,284 alleles (0.00045%); highest among the groups gnomAD compares: Non-Finnish European, 0.00061%; no homozygotes.

Submissions (2):

Labcorp Genetics (formerly Invitae), Labcorp
Classification: Likely benign for Dilated cardiomyopathy 1G; Autosomal recessive limb-girdle muscular dystrophy type 2J. Last evaluated: 2025-12-08. Review status: criteria provided, single submitter. Criteria: Invitae Variant Classification Sherloc (09022015). Collection method: clinical testing. Allele origin: germline.

Laboratory for Molecular Medicine, Mass General Brigham Personalized Medicine
Classification: Uncertain significance. Last evaluated: 2013-11-08. Review status: criteria provided, single submitter. Criteria: LMM Criteria. Collection method: clinical testing. Allele origin: germline. Observed: 1 variant allele.
Comment: Variant classified as Uncertain Significance - Favor Benign. The 19085-15T>G var iant in TTN has not been reported in individuals with cardiomyopathy and data fr om large population studies is insufficient to assess the frequency of this vari ant. This variant is located in the 3' splice region. Computational tools do not suggest an impact to splicing. However, this information is not predictive enou gh to rule out pathogenicity. Additional information is needed to fully assess t he clinical significance of the 19085-15T>G variant.